The following is an entry in ClinVar:

NM_000081.4(LYST):c.10374+20A>G

Gene: LYST (lysosomal trafficking regulator; minus strand). Cytogenetic location: 1q42.3.
Variant type: single nucleotide variant.
Coding change: c.10374+20A>G on transcript NM_000081.4 (MANE Select); 20 bases into the intron after coding-DNA position 10374, A replaced by G.
Molecular consequence: intron variant.
Genome position (GRCh38, 1-based): chr1:235,702,727, T>C on the plus strand (A>G on the coding strand, the complement: LYST is on the minus strand). VCF-style: chr1-235702727-T-C. GRCh37 (hg19) VCF-style: chr1-235866027-T-C.
Other names: c.10374+20A>G (NM_000081.3, NM_001301365.1).
Identifiers: ClinVar variation 1636730 (VCV001636730.12), dbSNP rs200285655, ClinGen allele CA1465386.

ClinVar aggregate classification (germline): Benign/Likely benign. Review status: criteria provided, multiple submitters, no conflicts (2 of 4 stars). 3 submissions from 3 submitters: Benign (1); Likely benign (1). 1 of the submissions does not count toward it. Last evaluated 2026-02-01.

Conditions:
Chédiak-Higashi syndrome (CHS). Also called: Chediak-Higashi Syndrome. Identifiers: Orphanet 167, MedGen C0007965, MONDO:0008963, OMIM 214500.
LYST-related disorder. Also called: LYST-related condition.

Allele frequency attached by ClinVar (database versions not stated): 1000 Genomes Project 0.00040; 1000 Genomes Project 30x 0.00047; gnomAD 0.00093; TOPMed 0.00111; ESP Exome Variant Server 0.00123; ExAC 0.00129; gnomAD exomes 0.00133.
gnomAD v4.1: 2,088 of 1,603,818 alleles (0.13%); highest among the groups gnomAD compares: Non-Finnish European, 0.15%; 1 homozygote.

Submissions (3):

Labcorp Genetics (formerly Invitae), Labcorp
Classification: Benign for Chédiak-Higashi syndrome. Last evaluated: 2026-02-01. Review status: criteria provided, single submitter. Criteria: Invitae Variant Classification Sherloc (09022015). Collection method: clinical testing. Allele origin: germline.

Blueprint Genetics
Classification: Likely benign. Last evaluated: 2024-11-07. Review status: criteria provided, single submitter. Criteria: ACMG Guidelines, 2015. Collection method: clinical testing. Allele origin: germline.

PreventionGenetics, part of Exact Sciences
Classification: Likely benign for LYST-related condition. Last evaluated: 2022-08-19. Review status: no assertion criteria provided. Collection method: clinical testing. Allele origin: germline. Not counted in ClinVar's aggregate classification.
Comment: This variant is classified as likely benign based on ACMG/AMP sequence variant interpretation guidelines (Richards et al. 2015 PMID: 25741868, with internal and published modifications).